The following is an entry in ClinVar:

ClinVar aggregate classification (germline): Uncertain significance. Review status: criteria provided, multiple submitters, no conflicts (2 of 4 stars). 2 submissions from 2 submitters: Uncertain significance (2). Last evaluated 2024-10-24.

Allele frequency attached by ClinVar (database versions not stated): gnomAD 0.00002; TOPMed 0.00002.
gnomAD v4.1: 55 of 1,578,036 alleles (0.0035%); highest among the groups gnomAD compares: Non-Finnish European, 0.0045%; no homozygotes.

Submissions (2):

Labcorp Genetics (formerly Invitae), Labcorp
Classification: Uncertain significance. Last evaluated: 2024-10-24. Review status: criteria provided, single submitter. Criteria: Invitae Variant Classification Sherloc (09022015). Collection method: clinical testing. Allele origin: germline.
Comment: This sequence change replaces glycine, which is neutral and non-polar, with alanine, which is neutral and non-polar, at codon 30 of the PIGB protein (p.Gly30Ala). This variant is present in population databases (no rsID available, gnomAD 0.004%). This variant has not been reported in the literature in individuals affected with PIGB-related conditions. ClinVar contains an entry for this variant (Variation ID: 1694752). An algorithm developed to predict the effect of missense changes on protein structure and function (PolyPhen-2) suggests that this variant¬†is likely to be tolerated. In summary, the available evidence is currently insufficient to determine the role of this variant in disease. Therefore, it has been classified as a Variant of Uncertain Significance.

CeGaT Center for Human Genetics Tuebingen
Classification: Uncertain significance. Last evaluated: 2022-05-01. Review status: criteria provided, single submitter. Criteria: CeGaT Center For Human Genetics Tuebingen Variant Classification Criteria Version 2. Collection method: clinical testing. Allele origin: germline. Affected: yes. Observed: 1 variant allele.
Comment: PIGB: PM2, BP4

NM_004855.5(PIGB):c.89G>C (p.Gly30Ala)

Gene: PIGB (phosphatidylinositol glycan anchor biosynthesis class B; plus strand). Cytogenetic location: 15q21.3.
Variant type: single nucleotide variant.
Coding change: c.89G>C on transcript NM_004855.5 (MANE Select); coding-DNA position 89, G replaced by C.
Protein change: p.Gly30Ala; replaces glycine 30 with alanine.
Molecular consequence: missense variant.
Genome position (GRCh38, 1-based): chr15:55,319,339, G>C. VCF-style: chr15-55319339-G-C. GRCh37 (hg19) VCF-style: chr15-55611537-G-C.
Other names: short protein forms G30A.
Identifiers: ClinVar variation 1694752 (VCV001694752.32), dbSNP rs867991151, ClinGen allele CA270774324.